The following is an entry in ClinVar:

ClinVar aggregate classification (germline): Uncertain significance (1 of 4 stars; one submission).

Conditions:
Cortical dysplasia-focal epilepsy syndrome (PTHSL1). Also called: Pitt-Hopkins-like syndrome 1. Identifiers: Orphanet 163681, Orphanet 221150, MedGen C2750246, MONDO:0012400, OMIM 610042.

Allele frequency attached by ClinVar (database versions not stated): gnomAD exomes below 0.00001; ExAC 0.00002.
gnomAD v4.1: 2 of 1,614,172 alleles (0.00012%); highest among the groups gnomAD compares: Admixed American, 0.0033%; no homozygotes.

Submission:

Labcorp Genetics (formerly Invitae), Labcorp
Classification: Uncertain significance for Cortical dysplasia-focal epilepsy syndrome. Last evaluated: 2023-04-19. Review status: criteria provided, single submitter. Criteria: Invitae Variant Classification Sherloc (09022015). Collection method: clinical testing. Allele origin: germline.
Comment: ClinVar contains an entry for this variant (Variation ID: 1962725). In summary, the available evidence is currently insufficient to determine the role of this variant in disease. Therefore, it has been classified as a Variant of Uncertain Significance. An algorithm developed to predict the effect of missense changes on protein structure and function (PolyPhen-2) suggests that this variant¬† is likely to be tolerated. This variant has not been reported in the literature in individuals affected with CNTNAP2-related conditions. This variant is present in population databases (rs762608780, gnomAD 0.006%). This sequence change replaces isoleucine, which is neutral and non-polar, with valine, which is neutral and non-polar, at codon 1283 of the CNTNAP2 protein (p.Ile1283Val).

NM_014141.6(CNTNAP2):c.3847A>G (p.Ile1283Val)

Gene: CNTNAP2 (contactin associated protein 2; plus strand). Cytogenetic location: 7q36.1.
Variant type: single nucleotide variant.
Coding change: c.3847A>G on transcript NM_014141.6 (MANE Select); coding-DNA position 3847, A replaced by G.
Protein change: p.Ile1283Val; replaces isoleucine 1283 with valine.
Molecular consequence: missense variant.
Genome position (GRCh38, 1-based): chr7:148,415,467, A>G. VCF-style: chr7-148415467-A-G. GRCh37 (hg19) VCF-style: chr7-148112559-A-G.
Other names: short protein forms I1283V.
Identifiers: ClinVar variation 1962725 (VCV001962725.3), dbSNP rs762608780, ClinGen allele CA4546821.